The following is an entry in ClinVar:

NM_007194.4(CHEK2):c.336C>T (p.Asn112=)

Gene: CHEK2 (checkpoint kinase 2; minus strand). Cytogenetic location: 22q12.1.
Variant type: single nucleotide variant.
Coding change: c.336C>T on transcript NM_007194.4 (MANE Select); coding-DNA position 336, C replaced by T.
Protein change: p.Asn112=; no amino-acid change (asparagine 112 retained).
Molecular consequence: synonymous variant.
Genome position (GRCh38, 1-based): chr22:28,725,351, G>A on the plus strand (C>T on the coding strand, the complement: CHEK2 is on the minus strand). VCF-style: chr22-28725351-G-A. GRCh37 (hg19) VCF-style: chr22-29121339-G-A.
Other names: c.465C>T, p.Asn155= (NM_001005735.3); c.-442C>T (NM_001257387.3); c.336C>T, p.Asn112= (NM_001349956.3, NM_145862.3).
Identifiers: ClinVar variation 1999078 (VCV001999078.5), dbSNP rs1060502689, ClinGen allele CA513945310.

ClinVar aggregate classification (germline): Benign/Likely benign. Review status: criteria provided, multiple submitters, no conflicts (2 of 4 stars). 2 submissions from 2 submitters: Benign (1); Likely benign (1). Last evaluated 2024-10-02.

Conditions:
Familial cancer of breast. Also called: hereditary breast carcinoma; Hereditary breast cancer; BREAST CANCER, FAMILIAL. Identifiers: Orphanet 227535, MedGen C0346153, MONDO:0016419, OMIM 114480. Disease mechanism: loss of function.

Submissions (2):

Myriad Genetics, Inc.
Classification: Benign for Familial cancer of breast. Last evaluated: 2024-10-02. Review status: criteria provided, single submitter. Criteria: Myriad Autosomal Dominant, Autosomal Recessive and X-Linked Classification Criteria (2023). Collection method: clinical testing. Allele origin: unknown.
Comment: This variant is considered benign. This variant is a silent/synonymous amino acid change and it is not expected to impact splicing.

Labcorp Genetics (formerly Invitae), Labcorp
Classification: Likely benign for Familial cancer of breast. Last evaluated: 2021-11-26. Review status: criteria provided, single submitter. Criteria: Invitae Variant Classification Sherloc (09022015). Collection method: clinical testing. Allele origin: germline.